The following is an entry in ClinVar:

ClinVar aggregate classification (germline): Uncertain significance. Review status: criteria provided, multiple submitters, no conflicts (2 of 4 stars). 2 submissions from 2 submitters: Uncertain significance (2). Last evaluated 2023-03-23.

Conditions:
Deficiency of butyryl-CoA dehydrogenase (ACADSD). Also called: ACADS DEFICIENCY; SCADH DEFICIENCY; SCAD Deficiency; SCAD DEFICIENCY, MILD; ACYL-CoA DEHYDROGENASE, SHORT-CHAIN, DEFICIENCY OF; Short-Chain Acyl-CoA Dehydrogenase Deficiency. Identifiers: Orphanet 26792, MedGen C0342783, MONDO:0008722, OMIM 201470. Disease mechanism: May be benign.

Submissions (2):

Labcorp Genetics (formerly Invitae), Labcorp
Classification: Uncertain significance for Deficiency of butyryl-CoA dehydrogenase. Last evaluated: 2023-03-23. Review status: criteria provided, single submitter. Criteria: Invitae Variant Classification Sherloc (09022015). Collection method: clinical testing. Allele origin: germline.
Comment: This sequence change replaces leucine, which is neutral and non-polar, with valine, which is neutral and non-polar, at codon 53 of the ACADS protein (p.Leu53Val). This variant is not present in population databases (gnomAD no frequency). This variant has not been reported in the literature in individuals affected with ACADS-related conditions. ClinVar contains an entry for this variant (Variation ID: 953574). Advanced modeling of protein sequence and biophysical properties (such as structural, functional, and spatial information, amino acid conservation, physicochemical variation, residue mobility, and thermodynamic stability) performed at Invitae indicates that this missense variant is expected to disrupt ACADS protein function. In summary, the available evidence is currently insufficient to determine the role of this variant in disease. Therefore, it has been classified as a Variant of Uncertain Significance.

Revvity Omics, Revvity
Classification: Uncertain significance for Deficiency of butyryl-CoA dehydrogenase. Last evaluated: 2021-01-22. Review status: criteria provided, single submitter. Criteria: ACMG Guidelines, 2015. Collection method: clinical testing. Allele origin: germline.

NM_000017.4(ACADS):c.157T>G (p.Leu53Val)

Gene: ACADS (acyl-CoA dehydrogenase short chain; plus strand). Cytogenetic location: 12q24.31.
Variant type: single nucleotide variant.
Coding change: c.157T>G on transcript NM_000017.4 (MANE Select); coding-DNA position 157, T replaced by G.
Protein change: p.Leu53Val; replaces leucine 53 with valine.
Molecular consequence: missense variant.
Genome position (GRCh38, 1-based): chr12:120,727,136, T>G. VCF-style: chr12-120727136-T-G. GRCh37 (hg19) VCF-style: chr12-121164939-T-G.
Other names: c.157T>G (NM_000017.2); c.157T>G, p.Leu53Val (NM_001302554.2); short protein forms L53V.
Identifiers: ClinVar variation 953574 (VCV000953574.12), dbSNP rs1883110478, ClinGen allele CA386613176.